The following is an entry in ClinVar:

ClinVar aggregate classification (germline): Conflicting classifications of pathogenicity. Review status: criteria provided, conflicting classifications (1 of 4 stars). 2 submissions from 2 submitters: Pathogenic (1); Uncertain significance (1). Last evaluated 2022-03-22.

Conditions:
Aortic aneurysm, familial thoracic 6 (AAT6). Also called: FAMILIAL THORACIC AORTIC ANEURYSM WITH LIVEDO RETICULARIS AND IRIS FLOCCULI. Identifiers: MedGen C2673186, MONDO:0012730, OMIM 611788.

Submissions (2):

Labcorp Genetics (formerly Invitae), Labcorp
Classification: Pathogenic for Aortic aneurysm, familial thoracic 6. Last evaluated: 2022-03-22. Review status: criteria provided, single submitter. Criteria: Invitae Variant Classification Sherloc (09022015). Collection method: clinical testing. Allele origin: germline.
Comment: For these reasons, this variant has been classified as Pathogenic. Advanced modeling of protein sequence and biophysical properties (such as structural, functional, and spatial information, amino acid conservation, physicochemical variation, residue mobility, and thermodynamic stability) performed at Invitae indicates that this missense variant is expected to disrupt ACTA2 protein function. ClinVar contains an entry for this variant (Variation ID: 387686). This missense change has been observed in individual(s) with ACTA2-related conditions (Invitae). In at least one individual the variant was observed to be de novo. This variant is not present in population databases (gnomAD no frequency). This sequence change replaces threonine, which is neutral and polar, with isoleucine, which is neutral and non-polar, at codon 204 of the ACTA2 protein (p.Thr204Ile).

GeneDx
Classification: Uncertain significance. Last evaluated: 2016-07-14. Review status: criteria provided, single submitter. Criteria: GeneDx Variant Classification (06012015). Collection method: clinical testing. Allele origin: germline. Affected: yes.
Comment: A variant of uncertain significance has been identified in the ACTA2 gene. The T204I variant has notbeen published as a pathogenic variant, nor has it been reported as a benign variant to our knowledge.T204I variant was not observed in approximately 6,500 individuals of European and AfricanAmerican ancestry in the NHLBI Exome Sequencing Project, indicating it is not a common benignvariant in these populations. The T204I variant is a non-conservative amino acid substitution, whichis likely to impact secondary protein structure as these residues differ in polarity, charge, size and/orother properties. In addition, this substitution occurs at a position that is conserved across species.Consequently, in silico analysis predicts this variant is probably damaging to the proteinstructure/function.Therefore, additional evidence is needed to determine whether this variant is pathogenic or benign.

NM_001613.4(ACTA2):c.611C>T (p.Thr204Ile)

Gene: ACTA2 (actin alpha 2, smooth muscle; minus strand). Cytogenetic location: 10q23.31.
Variant type: single nucleotide variant.
Coding change: c.611C>T on transcript NM_001613.4 (MANE Select); coding-DNA position 611, C replaced by T.
Protein change: p.Thr204Ile; replaces threonine 204 with isoleucine.
Molecular consequence: missense variant.
Genome position (GRCh38, 1-based): chr10:88,941,234, G>A on the plus strand (C>T on the coding strand, the complement: ACTA2 is on the minus strand). VCF-style: chr10-88941234-G-A. GRCh37 (hg19) VCF-style: chr10-90700991-G-A.
Other names: c.611C>T, p.Thr204Ile (NM_001141945.3, NM_001320855.2, NM_001406462.1 and 3 more transcripts); c.500C>T, p.Thr167Ile (NM_001406466.1); c.482C>T, p.Thr161Ile (NM_001406467.1, NM_001406468.1, NM_001406469.1); short protein forms T204I, T167I, T161I.
Identifiers: ClinVar variation 387686 (VCV000387686.11), dbSNP rs1057522870, ClinGen allele CA16606111.
Genomic context (GRCh38, chr10:88,941,234, plus strand): 5'-AAGTTACTGAGCAACACACTGCTCCCCTCTCCCCCTTATCTCCCACAGGCCTCACCAGTA[G>A]TAACGAAGGAATAGCCACGCTCAGTCAGGATCTTCATGAGGTAGTCAGTGAGATCTCGGC-3'
Protein context (NP_001604.1, residues 194-214): ILTERGYSFV[Thr204Ile]TAEREIVRDI